The following is an entry in ClinVar:

ClinVar aggregate classification (germline): Uncertain significance (1 of 4 stars; one submission).

Conditions:
Idiopathic Pulmonary Fibrosis. Also called: Idiopathic fibrosing alveolitis, chronic form; idiopathic fibrosing alveolitis. Identifiers: Orphanet 2032, MedGen C1800706, MeSH D054990, MONDO:0800504.
Dyskeratosis congenita, autosomal dominant 2. Identifiers: MedGen C3151443, MONDO:0013521, OMIM 613989.

Submission:

Labcorp Genetics (formerly Invitae), Labcorp
Classification: Uncertain significance for Dyskeratosis congenita, autosomal dominant 2; Idiopathic Pulmonary Fibrosis. Last evaluated: 2023-11-20. Review status: criteria provided, single submitter. Criteria: Invitae Variant Classification Sherloc (09022015). Collection method: clinical testing. Allele origin: germline.
Comment: This sequence change falls in intron 15 of the TERT gene. It does not directly change the encoded amino acid sequence of the TERT protein. It affects a nucleotide within the consensus splice site. This variant is not present in population databases (gnomAD no frequency). This variant has not been reported in the literature in individuals affected with TERT-related conditions. ClinVar contains an entry for this variant (Variation ID: 1433476). Variants that disrupt the consensus splice site are a relatively common cause of aberrant splicing (PMID: 17576681, 9536098). Algorithms developed to predict the effect of sequence changes on RNA splicing suggest that this variant may disrupt the consensus splice site. In summary, the available evidence is currently insufficient to determine the role of this variant in disease. Therefore, it has been classified as a Variant of Uncertain Significance.

Literature cited by the submitters: PubMed 17576681; PubMed 9536098.

NM_198253.3(TERT):c.3295+6T>C

Gene: TERT (telomerase reverse transcriptase; minus strand). Cytogenetic location: 5p15.33.
Variant type: single nucleotide variant.
Coding change: c.3295+6T>C on transcript NM_198253.3 (MANE Select); 6 bases into the intron after coding-DNA position 3295, T replaced by C.
Molecular consequence: intron variant.
Genome position (GRCh38, 1-based): chr5:1,254,362, A>G on the plus strand (T>C on the coding strand, the complement: TERT is on the minus strand). VCF-style: chr5-1254362-A-G. GRCh37 (hg19) VCF-style: chr5-1254477-A-G.
Other names: c.3106+6T>C (NM_001193376.3).
Identifiers: ClinVar variation 1433476 (VCV001433476.6), dbSNP rs2126559299, ClinGen allele CA2573138602.